The following is an entry in ClinVar:

NM_015721.3(GEMIN4):c.1043T>C (p.Leu348Pro)

Gene: GEMIN4 (gem nuclear organelle associated protein 4; minus strand). Cytogenetic location: 17p13.3.
Variant type: single nucleotide variant.
Coding change: c.1043T>C on transcript NM_015721.3 (MANE Select); coding-DNA position 1043, T replaced by C.
Protein change: p.Leu348Pro; replaces leucine 348 with proline.
Molecular consequence: missense variant.
Genome position (GRCh38, 1-based): chr17:747,000, A>G on the plus strand (T>C on the coding strand, the complement: GEMIN4 is on the minus strand). VCF-style: chr17-747000-A-G. GRCh37 (hg19) VCF-style: chr17-650240-A-G.
Other names: short protein forms L348P.
Identifiers: ClinVar variation 3899144 (VCV003899144.1).
Genomic context (GRCh38, chr17:747,000, plus strand): 5'-AGGCTGGTGCGGTTCAGGTAGAGCGTCGCGTTCTGGCTGAAGGAAGTCAGACTGTCGCAC[A>G]GCCGGTAGCTGTCGTAACTTGTCCCCTGGCTGCTGCGGAGCACGGCCTGCAACTCCTCCC-3'
Protein context (NP_056536.2, residues 338-358): SQGTSYDSYR[Leu348Pro]CDSLTSFSQN

ClinVar aggregate classification (germline): Uncertain significance (1 of 4 stars; one submission).

gnomAD v4.1: 1 of 1,613,148 alleles (0.000062%); highest among the groups gnomAD compares: Non-Finnish European, 0.000085%; no homozygotes.

Submission:

GeneDx
Classification: Uncertain significance. Last evaluated: 2024-11-07. Review status: criteria provided, single submitter. Criteria: GeneDx Variant Classification Process June 2021. Collection method: clinical testing. Allele origin: germline. Affected: yes.
Comment: Not observed at significant frequency in large population cohorts (gnomAD); In silico analysis supports that this missense variant has a deleterious effect on protein structure/function; Has not been previously published as pathogenic or benign to our knowledge